The following is an entry in ClinVar:

NM_000535.7(PMS2):c.2342A>G (p.Gln781Arg)

Gene: PMS2 (PMS1 homolog 2, mismatch repair system component; minus strand). Cytogenetic location: 7p22.1.
Variant type: single nucleotide variant.
Coding change: c.2342A>G on transcript NM_000535.7 (MANE Select); coding-DNA position 2342, A replaced by G.
Protein change: p.Gln781Arg; replaces glutamine 781 with arginine.
Molecular consequence: missense variant. On other transcripts: non-coding transcript variant (1).
Genome position (GRCh38, 1-based): chr7:5,977,691, T>C on the plus strand (A>G on the coding strand, the complement: PMS2 is on the minus strand). VCF-style: chr7-5977691-T-C. GRCh37 (hg19) VCF-style: chr7-6017322-T-C.
Other names: c.2375A>G, p.Gln792Arg (NM_001322014.2); c.2033A>G, p.Gln678Arg (NM_001322015.2, NM_001406877.1, NM_001406878.1 and 4 more transcripts); c.2528A>G, p.Gln843Arg (NM_001406866.1); c.2366A>G, p.Gln789Arg (NM_001406868.1); c.2234A>G, p.Gln745Arg (NM_001406869.1); c.2219A>G, p.Gln740Arg (NM_001406870.1); c.2198A>G, p.Gln733Arg (NM_001406871.1); c.2174A>G, p.Gln725Arg (NM_001406872.1, NM_001406874.1); and 20 more; short protein forms Q380R, Q470R, Q524R, Q542R, Q590R, Q594R, Q610R, Q619R.
Identifiers: ClinVar variation 4862085 (VCV004862085.1).
Genomic context (GRCh38, chr7:5,977,691, plus strand): 5'-GAAGGCCGGCACATGACCCCAGGGCTGTCGCTCAGCATGAAGATCAGTTCATCGACGTCC[T>C]GGGGTCCGAAGGTCCAGTTTTTACTAGTTGGCAAGGAAATCAGTTTAGCCCTTTCAGTGA-3'
Protein context (NP_000526.2, residues 771-791): PTSKNWTFGP[Gln781Arg]DVDELIFMLS

ClinVar aggregate classification (germline): Uncertain significance (1 of 4 stars; one submission).

Conditions:
Hereditary cancer-predisposing syndrome. Also called: Neoplastic Syndromes, Hereditary; Tumor predisposition; Hereditary Cancer Syndrome; Hereditary neoplastic syndrome. Identifiers: Orphanet 140162, MedGen C0027672, MeSH D009386, MONDO:0015356.

gnomAD v4.1: 2 of 1,606,340 alleles (0.00012%); highest among the groups gnomAD compares: South Asian, 0.0011%; no homozygotes.

Submission:

Ambry Genetics
Classification: Uncertain significance for Hereditary cancer-predisposing syndrome. Last evaluated: 2026-03-23. Review status: criteria provided, single submitter. Criteria: Ambry Variant Classification Scheme 2023. Collection method: clinical testing. Allele origin: germline.
Comment: The p.Q781R variant (also known as c.2342A>G), located in coding exon 14 of the PMS2 gene, results from an A to G substitution at nucleotide position 2342. The glutamine at codon 781 is replaced by arginine, an amino acid with highly similar properties. This amino acid position is conserved. In addition, this alteration is predicted to be tolerated by in silico analysis. Based on the available evidence, the clinical significance of this variant remains unclear.